The following is an entry in ClinVar:

ClinVar aggregate classification (germline): Uncertain significance. Review status: criteria provided, multiple submitters, no conflicts (2 of 4 stars). 3 submissions from 3 submitters: Uncertain significance (3). Last evaluated 2025-07-02.

Conditions:
Multiple endocrine neoplasia, type 2 (MEN2). Identifiers: Orphanet 653, MedGen C4048306, MONDO:0019003. Disease mechanism: gain of function.
Hereditary cancer-predisposing syndrome. Also called: Hereditary neoplastic syndrome; Tumor predisposition; Neoplastic Syndromes, Hereditary; Hereditary Cancer Syndrome. Identifiers: Orphanet 140162, MedGen C0027672, MeSH D009386, MONDO:0015356.

Allele frequency attached by ClinVar (database versions not stated): gnomAD exomes below 0.00001.
gnomAD v4.1: 1 of 1,610,698 alleles (0.000062%); highest among the groups gnomAD compares: Non-Finnish European, 0.000085%; no homozygotes.

Submissions (3):

Ambry Genetics
Classification: Uncertain significance for Hereditary cancer-predisposing syndrome. Last evaluated: 2025-07-02. Review status: criteria provided, single submitter. Criteria: Ambry Variant Classification Scheme 2023. Collection method: clinical testing. Allele origin: germline.
Comment: The p.D714A variant (also known as c.2141A>C), located in coding exon 12 of the RET gene, results from an A to C substitution at nucleotide position 2141. The aspartic acid at codon 714 is replaced by alanine, an amino acid with dissimilar properties. This amino acid position is highly conserved in available vertebrate species. In addition, this alteration is predicted to be deleterious by in silico analysis. Based on the available evidence, the clinical significance of this variant remains unclear.

Color Diagnostics, LLC DBA Color Health
Classification: Uncertain significance for Multiple endocrine neoplasia, type 2. Last evaluated: 2025-06-30. Review status: criteria provided, single submitter. Criteria: ACMG Guidelines, 2015. Collection method: clinical testing. Allele origin: germline.
Comment: This missense variant replaces aspartic acid with alanine at codon 714 of the RET protein. Computational prediction suggests that this variant may have deleterious impact on protein structure and function. To our knowledge, functional studies have not been reported for this variant. This variant has not been reported in individuals affected with RET-related disorders in the literature. This variant has not been identified in the general population by the Genome Aggregation Database (gnomAD). The available evidence is insufficient to determine the role of this variant in disease conclusively. Therefore, this variant is classified as a Variant of Uncertain Significance.

Labcorp Genetics (formerly Invitae), Labcorp
Classification: Uncertain significance for Multiple endocrine neoplasia, type 2. Last evaluated: 2020-12-02. Review status: criteria provided, single submitter. Criteria: Invitae Variant Classification Sherloc (09022015). Collection method: clinical testing. Allele origin: germline.
Comment: Algorithms developed to predict the effect of missense changes on protein structure and function are either unavailable or do not agree on the potential impact of this missense change (SIFT: "Deleterious"; PolyPhen-2: "Probably Damaging"; Align-GVGD: "Class C0"). This variant has not been reported in the literature in individuals with RET-related conditions. This variant is not present in population databases (ExAC no frequency). This sequence change replaces aspartic acid with alanine at codon 714 of the RET protein (p.Asp714Ala). The aspartic acid residue is highly conserved and there is a moderate physicochemical difference between aspartic acid and alanine. In summary, the available evidence is currently insufficient to determine the role of this variant in disease. Therefore, it has been classified as a Variant of Uncertain Significance.

NM_020975.6(RET):c.2141A>C (p.Asp714Ala)

Gene: RET (ret proto-oncogene; plus strand). Cytogenetic location: 10q11.21.
Variant type: single nucleotide variant.
Coding change: c.2141A>C on transcript NM_020975.6 (MANE Select); coding-DNA position 2141, A replaced by C.
Protein change: p.Asp714Ala; replaces aspartic acid 714 with alanine.
Molecular consequence: missense variant.
Genome position (GRCh38, 1-based): chr10:43,116,588, A>C. VCF-style: chr10-43116588-A-C. GRCh37 (hg19) VCF-style: chr10-43612036-A-C.
Other names: c.2141A>C, p.Asp714Ala (NM_000323.2, NM_001406743.1, NM_001406744.1 and 4 more transcripts); c.1379A>C, p.Asp460Ala (NM_001355216.2); c.2012A>C, p.Asp671Ala (NM_001406761.1, NM_001406762.1, NM_001406764.1); c.2006A>C, p.Asp669Ala (NM_001406763.1, NM_001406765.1); c.1616A>C, p.Asp539Ala (NM_001406774.1); c.1415A>C, p.Asp472Ala (NM_001406775.1, NM_001406776.1, NM_001406777.1 and 1 more transcripts); c.1244A>C, p.Asp415Ala (NM_001406779.1, NM_001406780.1, NM_001406781.1 and 1 more transcripts); c.692A>C, p.Asp231Ala (NM_001406793.1, NM_001406794.1, NM_001406792.1); and 10 more; short protein forms D460A, D714A, D415A, D539A, D568A, D582A, D626A, D671A.
Identifiers: ClinVar variation 1504808 (VCV001504808.10), dbSNP rs2132902595, ClinGen allele CA376554131.